The following is an entry in ClinVar:

NM_172201.2(KCNE2):c.369_370del (p.Ter124IleextTer?)

Genes: KCNE2 (potassium voltage-gated channel subfamily E regulatory subunit 2; plus strand), LOC105372791 (uncharacterized LOC105372791; minus strand). Cytogenetic location: 21q22.11.
Variant type: Deletion.
Coding change: c.369_370del on transcript NM_172201.2 (MANE Select); coding-DNA positions 369 to 370, 2 bases deleted (CT; older notation c.369_370delCT).
Protein change: p.Ter124IleextTer?.
Molecular consequence: frameshift variant.
Genome position (GRCh38, 1-based): chr21:34,370,847-34,370,848, CT deleted. VCF-style (leftmost placement, unchanged base first): chr21-34370846-CCT-C. GRCh37 (hg19) VCF-style: chr21-35743145-CCT-C.
Other names: p.*124IextX14; c.369_370delCT (NM_172201.1).
Identifiers: ClinVar variation 190797 (VCV000190797.33), dbSNP rs45610936, ClinGen allele CA301991.

ClinVar aggregate classification (germline): Conflicting classifications of pathogenicity. Review status: criteria provided, conflicting classifications (1 of 4 stars). 6 submissions from 6 submitters: Uncertain significance (5); Likely benign (1). Last evaluated 2025-08-31.

Conditions:
Cardiovascular phenotype. Identifiers: MedGen CN230736.
Long QT syndrome 6 (LQT6). Identifiers: Orphanet 101016, Orphanet 768, MedGen C3150953, MONDO:0013370, OMIM 613693.
Atrial fibrillation, familial, 4 (ATFB4). Identifiers: MedGen C1862394, MONDO:0012677, OMIM 611493.

Allele frequency attached by ClinVar (database versions not stated): ExAC 0.00004; gnomAD 0.00008 and 0.00009; gnomAD exomes 0.00008 and 0.00009; TOPMed 0.00009; ESP Exome Variant Server 0.00016.

Submissions (6):

Labcorp Genetics (formerly Invitae), Labcorp
Classification: Uncertain significance for Long QT syndrome 6. Last evaluated: 2025-08-31. Review status: criteria provided, single submitter. Criteria: Invitae Variant Classification Sherloc (09022015). Collection method: clinical testing. Allele origin: germline.
Comment: This sequence change disrupts the translational stop signal of the KCNE2 mRNA. It is expected to extend the length of the KCNE2 protein by 14 additional amino acid residues. This variant is present in population databases (rs45610936, gnomAD 0.02%). This protein extension has been observed in individual(s) with sudden unexplained death or clinical features of long QT syndrome (PMID: 19716085, 28794082, 29544605). This variant is also known as Pro123fsTer16. ClinVar contains an entry for this variant (Variation ID: 190797). Experimental studies and prediction algorithms are not available or were not evaluated, and the functional significance of this variant is currently unknown. Algorithms developed to predict the effect of sequence changes on RNA splicing suggest that this variant may create or strengthen a splice site. In summary, the available evidence is currently insufficient to determine the role of this variant in disease. Therefore, it has been classified as a Variant of Uncertain Significance.

GeneDx
Classification: Uncertain significance. Last evaluated: 2024-09-24. Review status: criteria provided, single submitter. Criteria: GeneDx Variant Classification Process June 2021. Collection method: clinical testing. Allele origin: germline. Affected: yes.
Comment: Stop codon loss and change to a Isoleucine codon, leading to protein extension and the addition of 14 amino acid(s) at the C-terminus; Reported in association with LQTS, SCD, and SIDS; however, it was shown to segregate in three asymptomatic relatives with normal QTc intervals (PMID: 19716085, 28794082, 29544605); This variant is associated with the following publications: (PMID: 29544605, 28794082, 19716085)

Blueprint Genetics
Classification: Uncertain significance. Last evaluated: 2024-06-19. Review status: criteria provided, single submitter. Criteria: ACMG Guidelines, 2015. Collection method: clinical testing. Allele origin: germline.

Ambry Genetics
Classification: Likely benign for Cardiovascular phenotype. Last evaluated: 2022-06-07. Review status: criteria provided, single submitter. Criteria: Ambry Variant Classification Scheme 2023. Collection method: clinical testing. Allele origin: germline.

New York Genome Center
Classification: Uncertain significance for Atrial fibrillation, familial, 4; Long QT syndrome 6. Last evaluated: 2022-04-20. Review status: criteria provided, single submitter. Criteria: NYGC Assertion Criteria 2020. Collection method: clinical testing. Allele origin: germline. Observed: 2 heterozygotes. Clinical features observed: Family history of heart disease (HP:0032318).
Comment: The c.369_370delCT variant has previously been reported in an individual with sudden infant death syndrome [PMID: 29544605] and in a patient with LQT phenotype [PMID:19716085]. The variant was also observed in another patient with LQT phenotype as well as in three asymptomatic relatives with normal QT interval [PMID: 28794082]. This variant has been deposited in ClinVar [ClinVar ID: 190797] as a Variant of Uncertain Significance. The variant c.369_370delCT is observed in 51 alleles (~ 0.009% minor allele frequency with 0 homozygotes) in population databases (gnomAD v2.1.1 and v3.1.2, TOPMed Freeze 8), suggesting it is not a common benign variant in the populations represented in those databases. The c.369_370delCT variant is located in the last exon of this 2-exon gene, replaces the canonical stop codon with Isoleucine residue and is predicted to extend the length of KCNE2 protein at the C-terminus by an additional 14 amino acids. Functional consequences of these predicted additional amino acids are unknown at this time. Based on available evidence, this c.369_370delCT p.(Ter124IleextTer?) variant identified in KCNE2 gene is classified as a Variant of Uncertain Significance.

Fulgent Genetics
Classification: Uncertain significance for Atrial fibrillation, familial, 4; Long QT syndrome 6. Last evaluated: 2021-07-23. Review status: criteria provided, single submitter. Criteria: ACMG Guidelines, 2015. Collection method: clinical testing. Allele origin: unknown.

Literature cited by the submitters: PubMed 19716085 (cited by Labcorp Genetics (formerly Invitae), Labcorp and Ambry Genetics); PubMed 28794082 (cited by Labcorp Genetics (formerly Invitae), Labcorp and Ambry Genetics); PubMed 29544605 (cited by Labcorp Genetics (formerly Invitae), Labcorp and Ambry Genetics); PubMed 23890619 (cited by Ambry Genetics).